The following is an entry in ClinVar:

NM_001447.3(FAT2):c.11797G>A (p.Ala3933Thr)

Genes: FAT2 (FAT atypical cadherin 2; minus strand), SLC36A1 (solute carrier family 36 member 1; plus strand). Cytogenetic location: 5q33.1.
Variant type: single nucleotide variant.
Coding change: c.11797G>A on transcript NM_001447.3 (MANE Select); coding-DNA position 11797, G replaced by A.
Protein change: p.Ala3933Thr; replaces alanine 3933 with threonine.
Molecular consequence: missense variant.
Genome position (GRCh38, 1-based): chr5:151,512,273, C>T on the plus strand (G>A on the coding strand, the complement: FAT2 is on the minus strand). VCF-style: chr5-151512273-C-T. GRCh37 (hg19) VCF-style: chr5-150891834-C-T.
Other names: short protein forms A3933T.
Identifiers: ClinVar variation 1921566 (VCV001921566.5), dbSNP rs775472786, ClinGen allele CA361821641.

ClinVar aggregate classification (germline): Uncertain significance (1 of 4 stars; one submission).

gnomAD v4.1: 16 of 1,614,226 alleles (0.00099%); highest among the groups gnomAD compares: Non-Finnish European, 0.0013%; no homozygotes.

Submission:

Labcorp Genetics (formerly Invitae), Labcorp
Classification: Uncertain significance. Last evaluated: 2022-08-05. Review status: criteria provided, single submitter. Criteria: Invitae Variant Classification Sherloc (09022015). Collection method: clinical testing. Allele origin: germline.
Comment: In summary, the available evidence is currently insufficient to determine the role of this variant in disease. Therefore, it has been classified as a Variant of Uncertain Significance. Algorithms developed to predict the effect of missense changes on protein structure and function output the following: SIFT: "Tolerated"; PolyPhen-2: "Benign"; Align-GVGD: "Class C0". The threonine amino acid residue is found in multiple mammalian species, which suggests that this missense change does not adversely affect protein function. This variant has not been reported in the literature in individuals affected with FAT2-related conditions. This variant is not present in population databases (gnomAD no frequency). This sequence change replaces alanine, which is neutral and non-polar, with threonine, which is neutral and polar, at codon 3933 of the FAT2 protein (p.Ala3933Thr).